The following is an entry in ClinVar:

NM_030957.4(ADAMTS10):c.1232C>T (p.Ala411Val)

Gene: ADAMTS10 (ADAM metallopeptidase with thrombospondin type 1 motif 10; minus strand). Cytogenetic location: 19p13.2.
Variant type: single nucleotide variant.
Coding change: c.1232C>T on transcript NM_030957.4 (MANE Select); coding-DNA position 1232, C replaced by T.
Protein change: p.Ala411Val; replaces alanine 411 with valine.
Molecular consequence: missense variant.
Genome position (GRCh38, 1-based): chr19:8,596,178, G>A on the plus strand (C>T on the coding strand, the complement: ADAMTS10 is on the minus strand). VCF-style: chr19-8596178-G-A. GRCh37 (hg19) VCF-style: chr19-8661062-G-A.
Other names: short protein forms A411V.
Identifiers: ClinVar variation 1964370 (VCV001964370.5), dbSNP rs201369388, ClinGen allele CA403755413.

ClinVar aggregate classification (germline): Uncertain significance (1 of 4 stars; one submission).

Allele frequency attached by ClinVar (database versions not stated): TOPMed below 0.00001.
gnomAD v4.1: 4 of 1,614,002 alleles (0.00025%); highest among the groups gnomAD compares: East Asian, 0.0045%; no homozygotes.

Submission:

Labcorp Genetics (formerly Invitae), Labcorp
Classification: Uncertain significance. Last evaluated: 2022-04-22. Review status: criteria provided, single submitter. Criteria: Invitae Variant Classification Sherloc (09022015). Collection method: clinical testing. Allele origin: germline.
Comment: In summary, the available evidence is currently insufficient to determine the role of this variant in disease. Therefore, it has been classified as a Variant of Uncertain Significance. Algorithms developed to predict the effect of missense changes on protein structure and function (SIFT, PolyPhen-2, Align-GVGD) all suggest that this variant is likely to be tolerated. This variant has not been reported in the literature in individuals affected with ADAMTS10-related conditions. This variant is not present in population databases (gnomAD no frequency). This sequence change replaces alanine, which is neutral and non-polar, with valine, which is neutral and non-polar, at codon 411 of the ADAMTS10 protein (p.Ala411Val).